The following is an entry in ClinVar:

NM_001384732.1(CPLANE1):c.5443G>C (p.Gly1815Arg)

Gene: CPLANE1 (ciliogenesis and planar polarity effector complex subunit 1; minus strand). Cytogenetic location: 5p13.2.
Variant type: single nucleotide variant.
Coding change: c.5443G>C on transcript NM_001384732.1 (MANE Select); coding-DNA position 5443, G replaced by C.
Protein change: p.Gly1815Arg; replaces glycine 1815 with arginine.
Molecular consequence: missense variant.
Genome position (GRCh38, 1-based): chr5:37,180,984, C>G on the plus strand (G>C on the coding strand, the complement: CPLANE1 is on the minus strand). VCF-style: chr5-37180984-C-G. GRCh37 (hg19) VCF-style: chr5-37181086-C-G.
Other names: c.5443G>C, p.Gly1815Arg (NM_023073.4); short protein forms G1815R.
Identifiers: ClinVar variation 1345894 (VCV001345894.8), dbSNP rs1009339676, ClinGen allele CA117067388.

ClinVar aggregate classification (germline): Uncertain significance (1 of 4 stars; one submission).

Allele frequency attached by ClinVar (database versions not stated): gnomAD exomes below 0.00001; gnomAD 0.00001; TOPMed 0.00001.
gnomAD v4.1: 3 of 1,613,682 alleles (0.00019%); highest among the groups gnomAD compares: African/African-American, 0.004%; no homozygotes.

Submission:

Labcorp Genetics (formerly Invitae), Labcorp
Classification: Uncertain significance. Last evaluated: 2022-09-01. Review status: criteria provided, single submitter. Criteria: Invitae Variant Classification Sherloc (09022015). Collection method: clinical testing. Allele origin: germline.
Comment: In summary, the available evidence is currently insufficient to determine the role of this variant in disease. Therefore, it has been classified as a Variant of Uncertain Significance. Advanced modeling of protein sequence and biophysical properties (such as structural, functional, and spatial information, amino acid conservation, physicochemical variation, residue mobility, and thermodynamic stability) performed at Invitae indicates that this missense variant is not expected to disrupt CPLANE1 protein function. This sequence change replaces glycine, which is neutral and non-polar, with arginine, which is basic and polar, at codon 1815 of the CPLANE1 protein (p.Gly1815Arg). This variant is not present in population databases (gnomAD no frequency). This variant has not been reported in the literature in individuals affected with CPLANE1-related conditions. ClinVar contains an entry for this variant (Variation ID: 1345894).